The following is an entry in ClinVar:

ClinVar aggregate classification (germline): Likely benign. Review status: criteria provided, multiple submitters, no conflicts (2 of 4 stars). 5 submissions from 5 submitters: Likely benign (4). 1 of the submissions does not count toward it. Last evaluated 2025-12-19.

Conditions:
Developmental and epileptic encephalopathy, 23 (DEE23). Also called: Epileptic encephalopathy, early infantile, 23. Identifiers: Orphanet 411986, MedGen C4014492, MONDO:0014371, OMIM 615859.
DOCK7-related disorder. Also called: DOCK7-related condition.

Allele frequency attached by ClinVar (database versions not stated): gnomAD exomes 0.00003 and 0.00014; ExAC 0.00021; gnomAD 0.00044 and 0.00046; TOPMed 0.00047; ESP Exome Variant Server 0.00054; 1000 Genomes Project 0.00140; 1000 Genomes Project 30x 0.00141.

Submissions (5):

Labcorp Genetics (formerly Invitae), Labcorp
Classification: Likely benign for Developmental and epileptic encephalopathy, 23. Last evaluated: 2025-12-19. Review status: criteria provided, single submitter. Criteria: Invitae Variant Classification Sherloc (09022015). Collection method: clinical testing. Allele origin: germline.

Women's Health and Genetics/Laboratory Corporation of America, LabCorp
Classification: Likely benign. Last evaluated: 2024-08-09. Review status: criteria provided, single submitter. Criteria: LabCorp Variant Classification Summary - May 2015. Collection method: clinical testing. Allele origin: germline.

Blueprint Genetics
Classification: Likely benign. Last evaluated: 2023-11-20. Review status: criteria provided, single submitter. Criteria: ACMG Guidelines, 2015. Collection method: clinical testing. Allele origin: germline.

Breakthrough Genomics
Classification: Likely benign. Review status: criteria provided, single submitter. Criteria: ACMG Guidelines, 2015. Collection method: not provided. Allele origin: germline. Inheritance: Autosomal recessive inheritance. Affected: yes.

PreventionGenetics, part of Exact Sciences
Classification: Likely benign for DOCK7-related condition. Last evaluated: 2019-11-20. Review status: no assertion criteria provided. Collection method: clinical testing. Allele origin: germline. Not counted in ClinVar's aggregate classification.
Comment: This variant is classified as likely benign based on ACMG/AMP sequence variant interpretation guidelines (Richards et al. 2015 PMID: 25741868, with internal and published modifications).

NM_001367561.1(DOCK7):c.4827G>A (p.Gln1609=)

Gene: DOCK7 (dedicator of cytokinesis 7; minus strand). Cytogenetic location: 1p31.3.
Variant type: single nucleotide variant.
Coding change: c.4827G>A on transcript NM_001367561.1 (MANE Select); coding-DNA position 4827, G replaced by A.
Protein change: p.Gln1609=; no amino-acid change (glutamine 1609 retained).
Molecular consequence: synonymous variant.
Genome position (GRCh38, 1-based): chr1:62,496,435, C>T on the plus strand (G>A on the coding strand, the complement: DOCK7 is on the minus strand). VCF-style: chr1-62496435-C-T. GRCh37 (hg19) VCF-style: chr1-62962106-C-T.
Other names: c.4800G>A, p.Gln1600= (NM_001271999.2, NM_001330614.2); c.4707G>A, p.Gln1569= (NM_001272000.2, NM_001272001.2); c.4734G>A, p.Gln1578= (NM_033407.4).
Identifiers: ClinVar variation 725951 (VCV000725951.16), dbSNP rs150833623, ClinGen allele CA885605.